The following is an entry in ClinVar:

NM_002490.6(NDUFA6):c.118T>C (p.Tyr40His)

Gene: NDUFA6 (NADH:ubiquinone oxidoreductase subunit A6; minus strand). Cytogenetic location: 22q13.2.
Variant type: single nucleotide variant.
Coding change: c.118T>C on transcript NM_002490.6 (MANE Select); coding-DNA position 118, T replaced by C.
Protein change: p.Tyr40His; replaces tyrosine 40 with histidine.
Molecular consequence: missense variant.
Genome position (GRCh38, 1-based): chr22:42,090,627, A>G on the plus strand (T>C on the coding strand, the complement: NDUFA6 is on the minus strand). VCF-style: chr22-42090627-A-G. GRCh37 (hg19) VCF-style: chr22-42486631-A-G.
Other names: short protein forms Y40H.
Identifiers: ClinVar variation 2872774 (VCV002872774.3), dbSNP rs2519111508, ClinGen allele CA411776273.
Genomic context (GRCh38, chr22:42,090,627, plus strand): 5'-GGCGGCCTCCGGGTCCCCACGTAAGCCGCTACCTCTCACCAGTGTTCGGCACCTCCCGAT[A>G]CCAGGCGCGGTAGAGCTCGCGCACCCTCCGCTTGGCCTCGTTCATGTCCCGACTGAAAAT-3'
Protein context (NP_002481.3, residues 30-50): RRVRELYRAW[Tyr40His]REVPNTVHQF

ClinVar aggregate classification (germline): Uncertain significance (1 of 4 stars; one submission).

Submission:

Labcorp Genetics (formerly Invitae), Labcorp
Classification: Uncertain significance. Last evaluated: 2025-06-02. Review status: criteria provided, single submitter. Criteria: Invitae Variant Classification Sherloc (09022015). Collection method: clinical testing. Allele origin: germline.
Comment: This sequence change replaces tyrosine, which is neutral and polar, with histidine, which is basic and polar, at codon 66 of the NDUFA6 protein (p.Tyr66His). This variant is not present in population databases (gnomAD no frequency). This variant has not been reported in the literature in individuals affected with NDUFA6-related conditions. ClinVar contains an entry for this variant (Variation ID: 2872774). An algorithm developed to predict the effect of missense changes on protein structure and function (PolyPhen-2) suggests that this variant is likely to be disruptive. In summary, the available evidence is currently insufficient to determine the role of this variant in disease. Therefore, it has been classified as a Variant of Uncertain Significance.